The following is an entry in ClinVar:

ClinVar aggregate classification (germline): Uncertain significance (1 of 4 stars; one submission).

Submission:

CeGaT Center for Human Genetics Tuebingen
Classification: Uncertain significance. Last evaluated: 2022-06-01. Review status: criteria provided, single submitter. Criteria: CeGaT Center For Human Genetics Tuebingen Variant Classification Criteria Version 2. Collection method: clinical testing. Allele origin: germline. Affected: yes. Observed: 1 variant allele.
Comment: CACNA1D: PM2, PP3

NM_001128840.3(CACNA1D):c.1667-1G>C

Gene: CACNA1D (calcium voltage-gated channel subunit alpha1 D; plus strand). Cytogenetic location: 3p21.1.
Variant type: single nucleotide variant.
Coding change: c.1667-1G>C on transcript NM_001128840.3 (MANE Select); the canonical splice acceptor site of the intron before coding-DNA position 1667, G replaced by C.
Molecular consequence: splice acceptor variant.
Genome position (GRCh38, 1-based): chr3:53,723,433, G>C. VCF-style: chr3-53723433-G-C. GRCh37 (hg19) VCF-style: chr3-53757460-G-C.
Other names: c.1667-1G>C (NM_001128839.3); c.1727-1G>C (NM_000720.4).
Identifiers: ClinVar variation 2653902 (VCV002653902.24), dbSNP rs2094901922, ClinGen allele CA353236673.